The following is an entry in ClinVar:

NM_001346022.3(USP45):c.1008del (p.Val337fs)

Gene: USP45 (ubiquitin specific peptidase 45; minus strand). Cytogenetic location: 6q16.2.
Variant type: Deletion.
Coding change: c.1008del on transcript NM_001346022.3 (MANE Select); coding-DNA position 1008, one base deleted (A; older notation c.1008delA).
Protein change: p.Val337fs; shifts the reading frame from valine 337.
Molecular consequence: frameshift variant. On other transcripts: non-coding transcript variant (5), intron variant (2).
Genome position (GRCh38, 1-based): chr6:99,468,544, T deleted on the plus strand (A on the coding strand, the reverse complement: USP45 is on the minus strand); the first of 7 consecutive T bases (chr6:99,468,544-99,468,550); deleting any one gives the same sequence. VCF-style (leftmost placement, unchanged base first): chr6-99468543-CT-C. GRCh37 (hg19) VCF-style: chr6-99916419-CT-C.
Other names: c.1008del, p.Val337fs (NM_001080481.3, NM_001346021.3, NM_001346026.3 and 1 more transcripts); c.1005del, p.Val336fs (NM_001346023.3); c.20del, p.Lys7fs (NM_001346027.3, NM_001346028.3, NM_001346029.3); c.931-3408del (NM_001346025.3); c.934-3408del (NM_001346024.3); c.1008delA (NM_001346021.1); short protein forms K7fs, V336fs, V337fs.
Identifiers: ClinVar variation 441010 (VCV000441010.9), dbSNP rs554927779, ClinGen allele CA3935430.

ClinVar aggregate classification (germline): Benign/Likely benign. Review status: criteria provided, multiple submitters, no conflicts (2 of 4 stars). 4 submissions from 4 submitters: Benign (1); Likely benign (2). 1 of the submissions does not count toward it. Last evaluated 2026-06-27.

Conditions:
USP45-related disorder. Also called: USP45-related condition.
Retinal dystrophy. Also called: Inherited retinal dystrophy. Identifiers: Orphanet 71862, MedGen C0854723, MeSH D058499, MONDO:0019118, HP:0000556.
Retinal disorder. Also called: Retinopathies; Retinal Diseases; Retinal disorders; Retinopathy. Identifiers: MedGen C0035309, MONDO:0005283, HP:0000488.

Submissions (4):

PreventionGenetics, part of Exact Sciences
Classification: Likely benign for USP45-related condition. Last evaluated: 2026-06-27. Review status: criteria provided, single submitter. Criteria: ACMG Guidelines, 2015. Collection method: clinical testing. Allele origin: germline.
Comment: This variant is classified as likely benign based on ACMG/AMP sequence variant interpretation guidelines (Richards et al. 2015 PMID: 25741868, with internal and published modifications).

Genetics Laboratory, Great Ormond Street Hospital NHS Foundation Trust, North Thames Genomic Laboratory Hub
Classification: Benign for Retinal disorders. Last evaluated: 2024-09-02. Review status: criteria provided, single submitter. Criteria: ACGS Best Practice Guidelines for Variant Classification in Rare Disease 2024 v1.2. Collection method: clinical testing. Allele origin: germline. Affected: yes.
Comment: BS1_strong, BS2_strong

Genetic Services Laboratory, University of Chicago
Classification: Likely benign. Last evaluated: 2021-11-16. Review status: criteria provided, single submitter. Criteria: ACMG Guidelines, 2015. Collection method: clinical testing. Allele origin: germline. Affected: no.

Institute of Human Genetics, Univ. Regensburg, Univ. Regensburg
Classification: Uncertain significance for Retinal dystrophy. Last evaluated: 2023-01-01. Review status: no assertion criteria provided. Criteria: ACMG Guidelines, 2015. Collection method: clinical testing. Allele origin: germline. Affected: yes. Not counted in ClinVar's aggregate classification.